The following is an entry in ClinVar:

ClinVar aggregate classification (germline): Likely benign (1 of 4 stars; one submission).

Conditions:
INPP5E-related disorder. Also called: INPP5E-related condition.

gnomAD v4.1: 1 of 1,585,160 alleles (0.000063%); highest among the groups gnomAD compares: Non-Finnish European, 0.000086%; no homozygotes.

Submission:

PreventionGenetics, part of Exact Sciences
Classification: Likely benign for INPP5E-related condition. Last evaluated: 2025-12-14. Review status: criteria provided, single submitter. Criteria: ACMG Guidelines, 2015. Collection method: clinical testing. Allele origin: germline.
Comment: This variant is classified as likely benign based on ACMG/AMP sequence variant interpretation guidelines (Richards et al. 2015 PMID: 25741868, with internal and published modifications).

NM_019892.6(INPP5E):c.546G>T (p.Ser182=)

Gene: INPP5E (inositol polyphosphate-5-phosphatase E; minus strand). Cytogenetic location: 9q34.3.
Variant type: single nucleotide variant.
Coding change: c.546G>T on transcript NM_019892.6 (MANE Select); coding-DNA position 546, G replaced by T.
Protein change: p.Ser182=; no amino-acid change (serine 182 retained).
Molecular consequence: synonymous variant.
Genome position (GRCh38, 1-based): chr9:136,438,874, C>A on the plus strand (G>T on the coding strand, the complement: INPP5E is on the minus strand). VCF-style: chr9-136438874-C-A. GRCh37 (hg19) VCF-style: chr9-139333326-C-A.
Other names: c.546G>T, p.Ser182= (NM_001318502.2).
Identifiers: ClinVar variation 4999638 (VCV004999638.1).